The following is an entry in ClinVar:

ClinVar aggregate classification (germline): Uncertain significance (1 of 4 stars; one submission).

Submission:

Labcorp Genetics (formerly Invitae), Labcorp
Classification: Uncertain significance. Last evaluated: 2019-05-11. Review status: criteria provided, single submitter. Criteria: Invitae Variant Classification Sherloc (09022015). Collection method: clinical testing. Allele origin: germline.
Comment: Algorithms developed to predict the effect of missense changes on protein structure and function are either unavailable or do not agree on the potential impact of this missense change (SIFT: "Deleterious"; PolyPhen-2: "Possibly Damaging"; Align-GVGD: "Class C0"). This sequence change replaces alanine with threonine at codon 2262 of the POLE protein (p.Ala2262Thr). The alanine residue is highly conserved and there is a small physicochemical difference between alanine and threonine. This variant is not present in population databases (ExAC no frequency). This variant has not been reported in the literature in individuals with POLE-related conditions. In summary, the available evidence is currently insufficient to determine the role of this variant in disease. Therefore, it has been classified as a Variant of Uncertain Significance.

NM_006231.4(POLE):c.6784G>A (p.Ala2262Thr)

Gene: POLE (DNA polymerase epsilon, catalytic subunit; minus strand). Cytogenetic location: 12q24.33.
Variant type: single nucleotide variant.
Coding change: c.6784G>A on transcript NM_006231.4 (MANE Select); coding-DNA position 6784, G replaced by A.
Protein change: p.Ala2262Thr; replaces alanine 2262 with threonine.
Molecular consequence: missense variant.
Genome position (GRCh38, 1-based): chr12:132,624,774, C>T on the plus strand (G>A on the coding strand, the complement: POLE is on the minus strand). VCF-style: chr12-132624774-C-T. GRCh37 (hg19) VCF-style: chr12-133201360-C-T.
Other names: short protein forms A2262T.
Identifiers: ClinVar variation 950372 (VCV000950372.9), dbSNP rs768405124, ClinGen allele CA387365808.